The following is an entry in ClinVar:

ClinVar aggregate classification (germline): Uncertain significance (1 of 4 stars; one submission).

Conditions:
Gorlin syndrome. Also called: Basal cell nevus syndrome; Nevoid Basal Cell Carcinoma Syndrome. Identifiers: Orphanet 377, MedGen C0004779, MONDO:0007187.

Submission:

Labcorp Genetics (formerly Invitae), Labcorp
Classification: Uncertain significance for Gorlin syndrome. Last evaluated: 2023-06-25. Review status: criteria provided, single submitter. Criteria: Invitae Variant Classification Sherloc (09022015). Collection method: clinical testing. Allele origin: germline.
Comment: This variant has not been reported in the literature in individuals affected with PTCH1-related conditions. This variant is not present in population databases (gnomAD no frequency). This sequence change replaces cysteine, which is neutral and slightly polar, with arginine, which is basic and polar, at codon 234 of the PTCH1 protein (p.Cys234Arg). Advanced modeling of protein sequence and biophysical properties (such as structural, functional, and spatial information, amino acid conservation, physicochemical variation, residue mobility, and thermodynamic stability) performed at Invitae indicates that this missense variant is expected to disrupt PTCH1 protein function. In summary, the available evidence is currently insufficient to determine the role of this variant in disease. Therefore, it has been classified as a Variant of Uncertain Significance.

NM_000264.5(PTCH1):c.700T>C (p.Cys234Arg)

Gene: PTCH1 (patched 1; minus strand). Cytogenetic location: 9q22.32.
Variant type: single nucleotide variant.
Coding change: c.700T>C on transcript NM_000264.5 (MANE Select); coding-DNA position 700, T replaced by C.
Protein change: p.Cys234Arg; replaces cysteine 234 with arginine.
Molecular consequence: missense variant. On other transcripts: non-coding transcript variant (1).
Genome position (GRCh38, 1-based): chr9:95,481,995, A>G on the plus strand (T>C on the coding strand, the complement: PTCH1 is on the minus strand). VCF-style: chr9-95481995-A-G. GRCh37 (hg19) VCF-style: chr9-98244277-A-G.
Other names: c.502T>C, p.Cys168Arg (NM_001083602.3, NM_001354919.2); c.697T>C, p.Cys233Arg (NM_001083603.3); c.247T>C, p.Cys83Arg (NM_001083604.3, NM_001083605.3, NM_001083606.3 and 1 more transcripts); c.700T>C, p.Cys234Arg (NM_001354918.2); short protein forms C168R, C233R, C83R, C234R.
Identifiers: ClinVar variation 2860978 (VCV002860978.3), dbSNP rs2538245348, ClinGen allele CA374114890.